The following is an entry in ClinVar:

ClinVar aggregate classification (germline): Conflicting classifications of pathogenicity. Review status: criteria provided, conflicting classifications (1 of 4 stars). 4 submissions from 4 submitters: Uncertain significance (2); Likely benign (1). 1 of the submissions does not count toward it. Last evaluated 2024-11-22.

Conditions:
Inborn genetic diseases. Identifiers: MedGen C0950123, MeSH D030342.
GRID2-related disorder. Also called: GRID2-related condition.

Allele frequency attached by ClinVar (database versions not stated): gnomAD exomes 0.00006; ExAC 0.00031; TOPMed 0.00059; gnomAD 0.00077; 1000 Genomes Project 30x 0.00078; ESP Exome Variant Server 0.00092; 1000 Genomes Project 0.00100.
gnomAD v4.1: 216 of 1,604,096 alleles (0.013%); highest among the groups gnomAD compares: African/African-American, 0.26%; no homozygotes.

Submissions (4):

Ambry Genetics
Classification: Uncertain significance for Inborn genetic diseases. Last evaluated: 2024-11-22. Review status: criteria provided, single submitter. Criteria: Ambry Variant Classification Scheme 2023. Collection method: clinical testing. Allele origin: germline.

Labcorp Genetics (formerly Invitae), Labcorp
Classification: Likely benign. Last evaluated: 2024-03-21. Review status: criteria provided, single submitter. Criteria: Invitae Variant Classification Sherloc (09022015). Collection method: clinical testing. Allele origin: germline.

GeneDx
Classification: Uncertain significance. Last evaluated: 2023-03-16. Review status: criteria provided, single submitter. Criteria: GeneDx Variant Classification Process June 2021. Collection method: clinical testing. Allele origin: germline. Affected: yes.
Comment: In silico analysis supports that this missense variant does not alter protein structure/function; Has not been previously published as pathogenic or benign to our knowledge

PreventionGenetics, part of Exact Sciences
Classification: Likely benign for GRID2-related condition. Last evaluated: 2022-05-17. Review status: no assertion criteria provided. Collection method: clinical testing. Allele origin: germline. Not counted in ClinVar's aggregate classification.
Comment: This variant is classified as likely benign based on ACMG/AMP sequence variant interpretation guidelines (Richards et al. 2015 PMID: 25741868, with internal and published modifications).

NM_001510.4(GRID2):c.2032C>G (p.Pro678Ala)

Gene: GRID2 (glutamate ionotropic receptor delta type subunit 2; plus strand). Cytogenetic location: 4q22.2.
Variant type: single nucleotide variant.
Coding change: c.2032C>G on transcript NM_001510.4 (MANE Select); coding-DNA position 2032, C replaced by G.
Protein change: p.Pro678Ala; replaces proline 678 with alanine.
Molecular consequence: missense variant.
Genome position (GRCh38, 1-based): chr4:93,515,250, C>G. VCF-style: chr4-93515250-C-G. GRCh37 (hg19) VCF-style: chr4-94436401-C-G.
Other names: c.2032C>G (NM_001510.2); c.1747C>G, p.Pro583Ala (NM_001286838.1); short protein forms P583A, P678A.
Identifiers: ClinVar variation 2579890 (VCV002579890.7), dbSNP rs146342092, ClinGen allele CA3012440.
Genomic context (GRCh38, chr4:93,515,250, plus strand): 5'-GTCTCTCTTCTCTCCCAATAATCAAGGTCTCTCCAGGACCTTTCCAAGCAAACAGAAATC[C>G]CTTATGGCACAGTCCTAGACTCTGCGGTATATGAGCATGTCCGCATGAAAGGACTGAATC-3'
Protein context (NP_001501.2, residues 668-688): LQDLSKQTEI[Pro678Ala]YGTVLDSAVY